The following is an entry in ClinVar:

NM_000069.3(CACNA1S):c.579G>T (p.Met193Ile)

Gene: CACNA1S (calcium voltage-gated channel subunit alpha1 S; minus strand). Cytogenetic location: 1q32.1.
Variant type: single nucleotide variant.
Coding change: c.579G>T on transcript NM_000069.3 (MANE Select); coding-DNA position 579, G replaced by T.
Protein change: p.Met193Ile; replaces methionine 193 with isoleucine.
Molecular consequence: missense variant.
Genome position (GRCh38, 1-based): chr1:201,091,755, C>A on the plus strand (G>T on the coding strand, the complement: CACNA1S is on the minus strand). VCF-style: chr1-201091755-C-A. GRCh37 (hg19) VCF-style: chr1-201060883-C-A.
Other names: short protein forms M193I.
Identifiers: ClinVar variation 2933034 (VCV002933034.3), dbSNP rs2464623958, ClinGen allele CA344140500.

ClinVar aggregate classification (germline): Uncertain significance (1 of 4 stars; one submission).

Conditions:
Malignant hyperthermia, susceptibility to, 5 (MHS5). Also called: CACNA1S-Related Malignant Hyperthermia Susceptibility. Identifiers: Orphanet 423, MedGen C1866077, MONDO:0011163, OMIM 601887.
Hypokalemic periodic paralysis, type 1. Also called: HypoPP; Hypokalemic Periodic Paralysis Type 1 (AD). Identifiers: Orphanet 681, MedGen C3714580, MONDO:0042979, OMIM 170400.

Submission:

Labcorp Genetics (formerly Invitae), Labcorp
Classification: Uncertain significance for Hypokalemic periodic paralysis, type 1; Malignant hyperthermia, susceptibility to, 5. Last evaluated: 2023-11-12. Review status: criteria provided, single submitter. Criteria: Invitae Variant Classification Sherloc (09022015). Collection method: clinical testing. Allele origin: germline.
Comment: This sequence change replaces methionine, which is neutral and non-polar, with isoleucine, which is neutral and non-polar, at codon 193 of the CACNA1S protein (p.Met193Ile). This variant is not present in population databases (gnomAD no frequency). This variant has not been reported in the literature in individuals affected with CACNA1S-related conditions. Advanced modeling of protein sequence and biophysical properties (such as structural, functional, and spatial information, amino acid conservation, physicochemical variation, residue mobility, and thermodynamic stability) performed at Invitae indicates that this missense variant is not expected to disrupt CACNA1S protein function with a negative predictive value of 80%. In summary, the available evidence is currently insufficient to determine the role of this variant in disease. Therefore, it has been classified as a Variant of Uncertain Significance.